The following is an entry in ClinVar:

NM_015046.7(SETX):c.59G>A (p.Arg20His)

Gene: SETX (senataxin; minus strand). Cytogenetic location: 9q34.13.
Variant type: single nucleotide variant.
Coding change: c.59G>A on transcript NM_015046.7 (MANE Select); coding-DNA position 59, G replaced by A.
Protein change: p.Arg20His; replaces arginine 20 with histidine.
Molecular consequence: missense variant.
Genome position (GRCh38, 1-based): chr9:132,349,370, C>T on the plus strand (G>A on the coding strand, the complement: SETX is on the minus strand). VCF-style: chr9-132349370-C-T. GRCh37 (hg19) VCF-style: chr9-135224757-C-T.
Other names: c.59G>A, p.Arg20His (NM_001351527.2, NM_001351528.2); short protein forms R20H.
Identifiers: ClinVar variation 242635 (VCV000242635.99), dbSNP rs79740039, ClinGen allele CA048242.

ClinVar aggregate classification (germline): Benign/Likely benign. Review status: criteria provided, multiple submitters, no conflicts (2 of 4 stars). 18 submissions from 16 submitters: Benign (10); Likely benign (3). 5 of the submissions do not count toward it. Last evaluated 2026-09-01.

Conditions:
SETX-related disorder. Also called: SETX-related disorders; SETX-related condition. Identifiers: MedGen CN239403.
Spinocerebellar ataxia, autosomal recessive, with axonal neuropathy 2 (SCAN2). Also called: Ataxia with Oculomotor Apraxia Type 2; Ataxia with Oculomotor Apraxia; ATAXIA-OCULOMOTOR APRAXIA 2; Ataxia-ocular apraxia-2. Identifiers: Orphanet 64753, MedGen C1853761, MONDO:0018996, OMIM 606002.
Amyotrophic lateral sclerosis type 4 (ALS4). Also called: AMYOTROPHIC LATERAL SCLEROSIS 4, JUVENILE; NEURONOPATHY, DISTAL HEREDITARY MOTOR, WITH PYRAMIDAL FEATURES. Identifiers: Orphanet 357043, MedGen C1865409, MONDO:0011223, OMIM 602433.
Hereditary spastic paraplegia. Also called: Familial spastic paraparesis. Identifiers: Orphanet 685, MedGen C0037773, MONDO:0019064. Disease mechanism: loss of function.

Allele frequency attached by ClinVar (database versions not stated): 1000 Genomes Project 30x 0.00453; 1000 Genomes Project 0.00499; TOPMed 0.00535; gnomAD 0.00602 and 0.00639; ESP Exome Variant Server 0.00753; gnomAD exomes 0.00875 and 0.00924; ExAC 0.00906.
gnomAD v4.1: 13,762 of 1,614,102 alleles (0.85%); highest among the groups gnomAD compares: South Asian, 1.7%; 94 homozygotes.

Submissions (18):

CeGaT Center for Human Genetics Tuebingen
Classification: Benign. Last evaluated: 2026-09-01. Review status: criteria provided, single submitter. Criteria: CeGaT Center For Human Genetics Tuebingen Variant Classification Criteria Version 2. Collection method: clinical testing. Allele origin: germline. Affected: yes. Observed: 61 variant alleles.
Comment: SETX: BP4, BS1, BS2

Labcorp Genetics (formerly Invitae), Labcorp
Classification: Benign for Amyotrophic lateral sclerosis type 4; Spinocerebellar ataxia, autosomal recessive, with axonal neuropathy 2. Last evaluated: 2026-02-04. Review status: criteria provided, single submitter. Criteria: Invitae Variant Classification Sherloc (09022015). Collection method: clinical testing. Allele origin: germline.

Athena Diagnostics
Classification: Benign. Last evaluated: 2025-09-05. Review status: criteria provided, single submitter. Criteria: Athena Diagnostics Criteria. Collection method: clinical testing. Allele origin: unknown.
Comment: The frequency of this variant in the general population is higher than would generally be expected for pathogenic variants in this gene. Computational tools predict this amino acid change may be benign.

ARUP Laboratories, Molecular Genetics and Genomics, ARUP Laboratories
Classification: Benign. Last evaluated: 2025-06-26. Review status: criteria provided, single submitter. Criteria: ARUP Molecular Germline Variant Investigation Process 2024. Collection method: clinical testing. Allele origin: germline.

Genome-Nilou Lab
Classification: Likely benign for Spinocerebellar ataxia, autosomal recessive, with axonal neuropathy 2. Last evaluated: 2023-02-08. Review status: criteria provided, single submitter. Criteria: ACMG Guidelines, 2015. Collection method: clinical testing. Allele origin: germline.

Genome-Nilou Lab
Classification: Likely benign for Amyotrophic lateral sclerosis type 4. Last evaluated: 2023-02-08. Review status: criteria provided, single submitter. Criteria: ACMG Guidelines, 2015. Collection method: clinical testing. Allele origin: germline.

Fulgent Genetics
Classification: Likely benign for Amyotrophic lateral sclerosis type 4; Spinocerebellar ataxia, autosomal recessive, with axonal neuropathy 2. Last evaluated: 2022-02-18. Review status: criteria provided, single submitter. Criteria: ACMG Guidelines, 2015. Collection method: clinical testing. Allele origin: unknown.

Genome Diagnostics Laboratory, The Hospital for Sick Children
Classification: Benign for Hereditary spastic paraplegia. Last evaluated: 2021-11-29. Review status: criteria provided, single submitter. Criteria: ACMG Guidelines, 2015. Collection method: clinical testing. Allele origin: germline. Affected: yes.

GeneDx
Classification: Benign. Last evaluated: 2020-01-29. Review status: criteria provided, single submitter. Criteria: GeneDx Variant Classification Process June 2021. Collection method: clinical testing. Allele origin: germline. Affected: yes.

Illumina Laboratory Services, Illumina
Classification: Benign for Amyotrophic lateral sclerosis type 4. Last evaluated: 2018-01-13. Review status: criteria provided, single submitter. Criteria: ICSL Variant Classification Criteria 13 December 2019. Collection method: clinical testing. Allele origin: germline.
Comment: This variant was observed in the ICSL laboratory as part of a predisposition screen in an ostensibly healthy population. It had not been previously curated by ICSL or reported in the Human Gene Mutation Database (HGMD: prior to June 1st, 2018), and was therefore a candidate for classification through an automated scoring system. Utilizing variant allele frequency, disease prevalence and penetrance estimates, and inheritance mode, an automated score was calculated to assess if this variant is too frequent to cause the disease. Based on the score and internal cut-off values, a variant classified as benign is not then subjected to further curation. The score for this variant resulted in a classification of benign for this disease.

Illumina Laboratory Services, Illumina
Classification: Benign for Spinocerebellar ataxia, autosomal recessive, with axonal neuropathy 2. Last evaluated: 2018-01-13. Review status: criteria provided, single submitter. Criteria: ICSL Variant Classification Criteria 13 December 2019. Collection method: clinical testing. Allele origin: germline.
Comment: the same text as in the submission from Illumina Laboratory Services, Illumina above.

Mayo Clinic Laboratories, Mayo Clinic
Classification: Benign. Last evaluated: 2016-10-13. Review status: criteria provided, single submitter. Criteria: ACMG Guidelines, 2015. Collection method: clinical testing. Allele origin: germline. Observed: 51 variant alleles.

Breakthrough Genomics
Classification: Benign. Review status: criteria provided, single submitter. Criteria: ACMG Guidelines, 2015. Collection method: not provided. Allele origin: germline. Inheritance: Autosomal recessive inheritance. Affected: yes.

PreventionGenetics, part of Exact Sciences
Classification: Benign for SETX-related condition. Last evaluated: 2019-05-10. Review status: no assertion criteria provided. Collection method: clinical testing. Allele origin: germline. Not counted in ClinVar's aggregate classification.
Comment: This variant is classified as benign based on ACMG/AMP sequence variant interpretation guidelines (Richards et al. 2015 PMID: 25741868, with internal and published modifications).

Clinical Genetics DNA and cytogenetics Diagnostics Lab, Erasmus MC, Erasmus Medical Center
Classification: Benign. Review status: no assertion criteria provided. Collection method: clinical testing. Allele origin: germline. Affected: yes. Study: VKGL Data-share Consensus. Not counted in ClinVar's aggregate classification.

Clinical Genetics, Academic Medical Center
Classification: Benign. Review status: no assertion criteria provided. Collection method: clinical testing. Allele origin: germline. Affected: yes. Study: VKGL Data-share Consensus. Not counted in ClinVar's aggregate classification.

Genome Diagnostics Laboratory, Amsterdam University Medical Center
Classification: Benign. Review status: no assertion criteria provided. Collection method: clinical testing. Allele origin: germline. Affected: yes. Study: VKGL Data-share Consensus. Not counted in ClinVar's aggregate classification.

Genome Diagnostics Laboratory, University Medical Center Utrecht
Classification: Benign. Review status: no assertion criteria provided. Collection method: clinical testing. Allele origin: germline. Affected: yes. Study: VKGL Data-share Consensus. Not counted in ClinVar's aggregate classification.

Literature cited by the submitters: PubMed 23129421 (cited by Athena Diagnostics); PubMed 19569000 (cited by Athena Diagnostics); PubMed 28430856 (cited by Athena Diagnostics); PubMed 32397312 (cited by Athena Diagnostics); PubMed 30822429 (cited by Athena Diagnostics).